The following is an entry in ClinVar:

NM_000355.4(TCN2):c.997dup (p.Thr333fs)

Gene: TCN2 (transcobalamin 2; plus strand). Cytogenetic location: 22q12.2.
Variant type: Duplication.
Coding change: c.997dup on transcript NM_000355.4 (MANE Select); coding-DNA position 997, one base duplicated (A; older notation c.997dupA).
Protein change: p.Thr333fs; shifts the reading frame from threonine 333.
Molecular consequence: frameshift variant.
Genome position (GRCh38, 1-based): chr22:30,617,386, A duplicated. VCF-style (leftmost placement, unchanged base first): chr22-30617385-C-CA. GRCh37 (hg19) VCF-style: chr22-31013372-C-CA.
Other names: c.916dup, p.Thr306fs (NM_001184726.2); short protein forms T306fs, T333fs.
Identifiers: ClinVar variation 1675884 (VCV001675884.36), dbSNP rs2145548128, ClinGen allele CA2573157912.
Genomic context (GRCh38, chr22:30,617,385, plus strand): 5'-CACAGTCATGTTGGAACCAGCTGCTGAGACCATTCCTCAGACCCAAGAGATCATCAGTGT[C>CA]ACGCTGCAGGTGCTTAGTCTCTTGCCGCCGTACAGACAGTCCATCTCTGTTCTGGCCGGG-3'

ClinVar aggregate classification (germline): Pathogenic. Review status: criteria provided, multiple submitters, no conflicts (2 of 4 stars). 2 submissions from 2 submitters: Pathogenic (2). Last evaluated 2024-01-01.

Conditions:
Transcobalamin II deficiency (TCN2D). Also called: TC II DEFICIENCY; TCN2 DEFICIENCY; Transcolabamin II deficiency. Identifiers: Orphanet 859, MedGen C0342701, MONDO:0010149, OMIM 275350.

Allele frequency attached by ClinVar (database versions not stated): gnomAD exomes below 0.00001.

Submissions (2):

CeGaT Center for Human Genetics Tuebingen
Classification: Pathogenic. Last evaluated: 2024-01-01. Review status: criteria provided, single submitter. Criteria: CeGaT Center For Human Genetics Tuebingen Variant Classification Criteria Version 2. Collection method: clinical testing. Allele origin: germline. Affected: yes. Observed: 2 variant alleles.
Comment: TCN2: PVS1, PM2

Labcorp Genetics (formerly Invitae), Labcorp
Classification: Pathogenic for Transcobalamin II deficiency. Last evaluated: 2023-10-28. Review status: criteria provided, single submitter. Criteria: Invitae Variant Classification Sherloc (09022015). Collection method: clinical testing. Allele origin: germline.
Comment: This sequence change creates a premature translational stop signal (p.Thr333Asnfs*6) in the TCN2 gene. It is expected to result in an absent or disrupted protein product. Loss-of-function variants in TCN2 are known to be pathogenic (PMID: 7980584, 20352340). This variant is not present in population databases (gnomAD no frequency). This variant has not been reported in the literature in individuals affected with TCN2-related conditions. ClinVar contains an entry for this variant (Variation ID: 1675884). For these reasons, this variant has been classified as Pathogenic.

Literature cited by the submitters: PubMed 7980584 (cited by Labcorp Genetics (formerly Invitae), Labcorp); PubMed 20352340 (cited by Labcorp Genetics (formerly Invitae), Labcorp).